The following is an entry in ClinVar:

NM_182914.3(SYNE2):c.2593del (p.Gln865fs)

Gene: SYNE2 (spectrin repeat containing nuclear envelope protein 2; plus strand). Cytogenetic location: 14q23.2.
Variant type: Deletion.
Coding change: c.2593del on transcript NM_182914.3 (MANE Select); coding-DNA position 2593, one base deleted (C; older notation c.2593delC).
Protein change: p.Gln865fs; shifts the reading frame from glutamine 865.
Molecular consequence: frameshift variant.
Genome position (GRCh38, 1-based): chr14:63,991,062, C deleted. VCF-style (leftmost placement, unchanged base first): chr14-63991061-TC-T. GRCh37 (hg19) VCF-style: chr14-64457779-TC-T.
Other names: c.2593del, p.Gln865fs (NM_015180.6); short protein forms Q865fs.
Identifiers: ClinVar variation 1512225 (VCV001512225.6), dbSNP rs2153485914, ClinGen allele CA2573150009.
Genomic context (GRCh38, chr14:63,991,061, plus strand): 5'-GGACATCAGGCTGAAGATGGAAGAATCCCAGAAGGAACTTGAATCATATATGATGAGGGC[TC>T]AGCAGTTACTGGGGCAAAGAGAGAGCCCCGGTGAACTCATTTCAAAACACAAGGTGGGAA-3'

ClinVar aggregate classification (germline): Uncertain significance (1 of 4 stars; one submission).

Conditions:
Emery-Dreifuss muscular dystrophy 5, autosomal dominant (EDMD5). Also called: EMERY-DREIFUSS MUSCULAR DYSTROPHY 5. Identifiers: Orphanet 261, MedGen C2751805, MONDO:0013072, OMIM 612999.

Submission:

Labcorp Genetics (formerly Invitae), Labcorp
Classification: Uncertain significance for Emery-Dreifuss muscular dystrophy 5, autosomal dominant. Last evaluated: 2021-04-14. Review status: criteria provided, single submitter. Criteria: Invitae Variant Classification Sherloc (09022015). Collection method: clinical testing. Allele origin: germline.
Comment: In summary, the available evidence is currently insufficient to determine the role of this variant in disease. Therefore, it has been classified as a Variant of Uncertain Significance. This variant has not been reported in the literature in individuals with SYNE2-related conditions. This variant is not present in population databases (ExAC no frequency). This sequence change creates a premature translational stop signal (p.Gln865Serfs*21) in the SYNE2 gene. It is expected to result in an absent or disrupted protein product. However, the current clinical and genetic evidence is not sufficient to establish whether loss-of-function variants in SYNE2 cause disease.